The following is an entry in ClinVar:

NM_001039591.3(USP9X):c.3803A>G (p.Tyr1268Cys)

Gene: USP9X (ubiquitin specific peptidase 9 X-linked; plus strand). Cytogenetic location: Xp11.4.
Variant type: single nucleotide variant.
Coding change: c.3803A>G on transcript NM_001039591.3 (MANE Select); coding-DNA position 3803, A replaced by G.
Protein change: p.Tyr1268Cys; replaces tyrosine 1268 with cysteine.
Molecular consequence: missense variant.
Genome position (GRCh38, 1-based): chrX:41,188,110, A>G. VCF-style: chrX-41188110-A-G. GRCh37 (hg19) VCF-style: chrX-41047363-A-G.
Other names: c.3803A>G, p.Tyr1268Cys (NM_001039590.3); c.3818A>G, p.Tyr1273Cys (NM_001410748.1, NM_001410749.1); short protein forms Y1273C, Y1268C.
Identifiers: ClinVar variation 2138548 (VCV002138548.6), dbSNP rs1356831786, ClinGen allele CA412768740.

ClinVar aggregate classification (germline): Uncertain significance. Review status: criteria provided, multiple submitters, no conflicts (2 of 4 stars). 2 submissions from 2 submitters: Uncertain significance (2). Last evaluated 2025-01-07.

Allele frequency attached by ClinVar (database versions not stated): gnomAD exomes 0.00001.
gnomAD v4.1: 10 of 1,207,167 alleles (0.00083%); highest among the groups gnomAD compares: Middle Eastern, 0.14%; no homozygotes.

Submissions (2):

Labcorp Genetics (formerly Invitae), Labcorp
Classification: Uncertain significance. Last evaluated: 2025-01-07. Review status: criteria provided, single submitter. Criteria: Invitae Variant Classification Sherloc (09022015). Collection method: clinical testing. Allele origin: germline.
Comment: This sequence change replaces tyrosine, which is neutral and polar, with cysteine, which is neutral and slightly polar, at codon 1268 of the USP9X protein (p.Tyr1268Cys). This variant is present in population databases (no rsID available, gnomAD no frequency). This missense change has been observed in individual(s) with autism and/or intellectual disability (PMID: 28720891, 35227307). ClinVar contains an entry for this variant (Variation ID: 2138548). An algorithm developed to predict the effect of missense changes on protein structure and function (PolyPhen-2) suggests that this variant is likely to be disruptive. In summary, the available evidence is currently insufficient to determine the role of this variant in disease. Therefore, it has been classified as a Variant of Uncertain Significance.

Revvity Omics, Revvity
Classification: Uncertain significance. Last evaluated: 2023-02-13. Review status: criteria provided, single submitter. Criteria: ACMG Guidelines, 2015. Collection method: clinical testing. Allele origin: germline.

Literature cited by the submitters: PubMed 28720891 (cited by Labcorp Genetics (formerly Invitae), Labcorp); PubMed 35227307 (cited by Labcorp Genetics (formerly Invitae), Labcorp).